The following is an entry in ClinVar:

NM_000352.6(ABCC8):c.1605C>T (p.Ala535=)

Gene: ABCC8 (ATP binding cassette subfamily C member 8; minus strand). Cytogenetic location: 11p15.1.
Variant type: single nucleotide variant.
Coding change: c.1605C>T on transcript NM_000352.6 (MANE Select); coding-DNA position 1605, C replaced by T.
Protein change: p.Ala535=; no amino-acid change (alanine 535 retained).
Molecular consequence: synonymous variant. On other transcripts: non-coding transcript variant (1).
Genome position (GRCh38, 1-based): chr11:17,442,745, G>A on the plus strand (C>T on the coding strand, the complement: ABCC8 is on the minus strand). VCF-style: chr11-17442745-G-A. GRCh37 (hg19) VCF-style: chr11-17464292-G-A.
Other names: c.1605C>T, p.Ala535= (NM_001287174.3, NM_001351295.2); c.1602C>T, p.Ala534= (NM_001351296.2, NM_001351297.2).
Identifiers: ClinVar variation 303782 (VCV000303782.13), dbSNP rs886048055, ClinGen allele CA10630471.

ClinVar aggregate classification (germline): Conflicting classifications of pathogenicity. Review status: criteria provided, conflicting classifications (1 of 4 stars). 6 submissions from 3 submitters: Uncertain significance (5); Likely benign (1). Last evaluated 2023-11-28.

Conditions:
Transitory neonatal diabetes mellitus. Also called: Transient neonatal diabetes mellitus. Identifiers: MedGen C0342273, MONDO:0020525, HP:0008255.
Maturity-onset diabetes of the young (MODY). Also called: Maturity onset diabetes mellitus in young. Identifiers: Orphanet 552, MedGen C0342276, MONDO:0018911, HP:0004904.
Hyperinsulinemic hypoglycemia, familial, 1 (HHF1). Also called: Persistent hyperinsulinemic hypoglycemia of infancy; HYPERINSULINISM, FAMILIAL, WITH PANCREATIC NESIDIOBLASTOSIS; HYPOGLYCEMIA, HYPERINSULINEMIC, OF INFANCY; NESIDIOBLASTOSIS OF PANCREAS; Persistent Hyperinsulinemia Hypoglycemia of Infancy. Identifiers: Orphanet 276575, Orphanet 276598, MedGen C2931832, MONDO:0009734, OMIM 256450.
Permanent neonatal diabetes mellitus (PNDM). Identifiers: Orphanet 99885, MedGen C1833104, MONDO:0100164, MONDO:0011643. Disease mechanism: gain of function.
Diabetes mellitus, transient neonatal, 2 (TNDM2). Identifiers: Orphanet 99886, MedGen C1835887, MONDO:0012480, OMIM 610374. Disease mechanism: loss of function.

Allele frequency attached by ClinVar (database versions not stated): gnomAD exomes below 0.00001.
gnomAD v4.1: 3 of 1,613,874 alleles (0.00019%); highest among the groups gnomAD compares: Non-Finnish European, 0.00025%; no homozygotes.

Submissions (6):

Labcorp Genetics (formerly Invitae), Labcorp
Classification: Likely benign. Last evaluated: 2023-11-28. Review status: criteria provided, single submitter. Criteria: Invitae Variant Classification Sherloc (09022015). Collection method: clinical testing. Allele origin: germline.

Illumina Laboratory Services, Illumina
Classification: Uncertain significance for Hyperinsulinemic hypoglycemia, familial, 1. Last evaluated: 2018-01-12. Review status: criteria provided, single submitter. Criteria: ICSL Variant Classification Criteria 13 December 2019. Collection method: clinical testing. Allele origin: germline.

Illumina Laboratory Services, Illumina
Classification: Uncertain significance for Diabetes mellitus, transient neonatal, 2. Last evaluated: 2018-01-12. Review status: criteria provided, single submitter. Criteria: ICSL Variant Classification Criteria 13 December 2019. Collection method: clinical testing. Allele origin: germline.

Illumina Laboratory Services, Illumina
Classification: Uncertain significance for Permanent neonatal diabetes mellitus 1. Last evaluated: 2018-01-12. Review status: criteria provided, single submitter. Criteria: ICSL Variant Classification Criteria 13 December 2019. Collection method: clinical testing. Allele origin: germline.

Clinical Genomics, Uppaluri K&H Personalized Medicine Clinic
Classification: Uncertain significance for Transitory neonatal diabetes mellitus. Review status: criteria provided, single submitter. Criteria: K & H Uppaluri Personalized Medicine Clinic Variant Classification & Assertion Criteria_Updated V.1. Collection method: research. Allele origin: unknown. Inheritance: Somatic mutation.
Comment: Mutations in ABCC8 gene are associated with both neonatal diabetes mellitus as well as MODY. Patients with this mutation may have a better response to sulfonylureas. However, no sufficient evidence is found to ascertain the role of this particular variant (rs886048055) in neonatal diabetes yet.

Clinical Genomics, Uppaluri K&H Personalized Medicine Clinic
Classification: Uncertain significance for Maturity-onset diabetes of the young. Review status: criteria provided, single submitter. Criteria: K & H Uppaluri Personalized Medicine Clinic Variant Classification & Assertion Criteria_Updated V.1. Collection method: research. Allele origin: unknown. Inheritance: Somatic mutation.
Comment: Mutations in ABCC8 gene are associated with both neonatal diabetes mellitus as well as MODY. Patients with this mutation may have a better response to sulfonylureas. However, no sufficient evidence is found to ascertain the role of this particular variant (rs886048055) in MODY yet.

Literature cited by the submitters: PubMed 16885549 (cited by Clinical Genomics, Uppaluri K&H Personalized Medicine Clinic); PubMed 21989597 (cited by Clinical Genomics, Uppaluri K&H Personalized Medicine Clinic); PubMed 27538677 (cited by Clinical Genomics, Uppaluri K&H Personalized Medicine Clinic); PubMed 18981553 (cited by Clinical Genomics, Uppaluri K&H Personalized Medicine Clinic); PubMed 32027066 (cited by Clinical Genomics, Uppaluri K&H Personalized Medicine Clinic); PubMed 16613899 (cited by Clinical Genomics, Uppaluri K&H Personalized Medicine Clinic); PubMed 18025408 (cited by Clinical Genomics, Uppaluri K&H Personalized Medicine Clinic); PubMed 32792356 (cited by Clinical Genomics, Uppaluri K&H Personalized Medicine Clinic).